The following is an entry in ClinVar:

ClinVar aggregate classification (germline): Uncertain significance (1 of 4 stars; one submission).

Allele frequency attached by ClinVar (database versions not stated): gnomAD 0.00001 and 0.00002; TOPMed 0.00002.

Submission:

Labcorp Genetics (formerly Invitae), Labcorp
Classification: Uncertain significance. Last evaluated: 2021-04-17. Review status: criteria provided, single submitter. Criteria: Invitae Variant Classification Sherloc (09022015). Collection method: clinical testing. Allele origin: germline.
Comment: This sequence change replaces glutamine with histidine at codon 1881 of the SPEG protein (p.Gln1881His). The glutamine residue is highly conserved and there is a small physicochemical difference between glutamine and histidine. In summary, the available evidence is currently insufficient to determine the role of this variant in disease. Therefore, it has been classified as a Variant of Uncertain Significance. Algorithms developed to predict the effect of missense changes on protein structure and function are either unavailable or do not agree on the potential impact of this missense change (SIFT: "Tolerated"; PolyPhen-2: "Probably Damaging"; Align-GVGD: "Class C0"). This variant has not been reported in the literature in individuals with SPEG-related conditions. This variant is not present in population databases (ExAC no frequency).

NM_005876.5(SPEG):c.5643G>T (p.Gln1881His)

Genes: ASIC4-AS1 (ASIC4 antisense RNA 1; minus strand), SPEG (striated muscle enriched protein kinase; plus strand). Cytogenetic location: 2q35.
Variant type: single nucleotide variant.
Coding change: c.5643G>T on transcript NM_005876.5 (MANE Select); coding-DNA position 5643, G replaced by T.
Protein change: p.Gln1881His; replaces glutamine 1881 with histidine.
Molecular consequence: missense variant.
Genome position (GRCh38, 1-based): chr2:219,483,106, G>T. VCF-style: chr2-219483106-G-T. GRCh37 (hg19) VCF-style: chr2-220347828-G-T.
Other names: short protein forms Q1881H.
Identifiers: ClinVar variation 1464751 (VCV001464751.8), dbSNP rs1047548768, ClinGen allele CA65989903.